The following is an entry in ClinVar:

ClinVar aggregate classification (germline): Pathogenic/Likely pathogenic. Review status: criteria provided, multiple submitters, no conflicts (2 of 4 stars). 5 submissions from 5 submitters: Pathogenic (3); Likely pathogenic (1). 1 of the submissions does not count toward it. Last evaluated 2025-12-09.

Conditions:
ILDR1-related disorders.
Rare genetic deafness. Identifiers: Orphanet 96210, MedGen C5680250.
Autosomal recessive nonsyndromic hearing loss 42. Identifiers: Orphanet 90636, MedGen C1864818, MONDO:0012326, OMIM 609646.

Allele frequency attached by ClinVar (database versions not stated): gnomAD exomes below 0.00001 and 0.00001.
gnomAD v4.1: 4 of 1,614,180 alleles (0.00025%); highest among the groups gnomAD compares: Admixed American, 0.0017%; no homozygotes.

Submissions (5):

Genetics Research Center, University of Social Welfare and Rehabilitation Sciences
Classification: Pathogenic for Autosomal recessive nonsyndromic hearing loss 42. Last evaluated: 2025-12-09. Review status: criteria provided, single submitter. Criteria: ACMG Guidelines, 2015. Collection method: research. Allele origin: germline. Affected: yes.
Comment: The variant is present at a very low frequency in the gnomAD v2.1.1 dataset (allele frequency: 0.0004%) and has been reported in individual(s) affected with ILDR1-related hearing loss (PMID:30804975, 28945813, 25668204, 23239027, 21255762). It is a stop-gain mutation expected to disrupt normal protein function either through nonsense-mediated decay (NMD) or by producing a truncated protein.

Laboratory for Molecular Medicine, Mass General Brigham Personalized Medicine
Classification: Pathogenic for Rare genetic deafness. Last evaluated: 2022-06-30. Review status: criteria provided, single submitter. Criteria: ACMG Guidelines, 2015. Collection method: clinical testing. Allele origin: germline.
Comment: This nonsense variant leads to a premature termination codon at position 195, which is predicted to lead to a truncated or absent protein. Loss of function of the ILDR1 gene is an established disease mechanism in autosomal recessive nonsyndromic hearing loss. In summary, this variant meets criteria to be classifed as pathogenic for autosomal recessive nonsyndromic hearing loss. ACMG/AMP criteria applied: PVS1, PM3_Supporting, PM2_Supporting.

Revvity Omics, Revvity
Classification: Pathogenic for Autosomal recessive nonsyndromic hearing loss 42. Last evaluated: 2020-10-23. Review status: criteria provided, single submitter. Criteria: ACMG Guidelines, 2015. Collection method: clinical testing. Allele origin: germline.

Blueprint Genetics
Classification: Likely pathogenic for ILDR1-related disorders. Last evaluated: 2019-11-28. Review status: criteria provided, single submitter. Criteria: ACMG Guidelines, 2015. Collection method: clinical testing. Allele origin: germline. Affected: yes. Observed: 1 variant allele.

OMIM
Classification: Pathogenic for DEAFNESS, AUTOSOMAL RECESSIVE 42. Last evaluated: 2011-02-11. Review status: no assertion criteria provided. Collection method: literature only. Allele origin: germline. Not counted in ClinVar's aggregate classification.

Literature cited by the submitters: PubMed 30804975 (cited by Genetics Research Center, University of Social Welfare and Rehabilitation Sciences); PubMed 28945813 (cited by Genetics Research Center, University of Social Welfare and Rehabilitation Sciences); PubMed 25668204 (cited by Genetics Research Center, University of Social Welfare and Rehabilitation Sciences); PubMed 23239027 (cited by Genetics Research Center, University of Social Welfare and Rehabilitation Sciences); PubMed 21255762 (cited by Genetics Research Center, University of Social Welfare and Rehabilitation Sciences and OMIM).

NM_001199799.2(ILDR1):c.583C>T (p.Gln195Ter)

Gene: ILDR1 (immunoglobulin like domain containing receptor 1; minus strand). Cytogenetic location: 3q13.33.
Variant type: single nucleotide variant.
Coding change: c.583C>T on transcript NM_001199799.2 (MANE Select); coding-DNA position 583, C replaced by T.
Protein change: p.Gln195Ter; replaces glutamine 195 with a stop codon.
Molecular consequence: nonsense. On other transcripts: intron variant (1).
Genome position (GRCh38, 1-based): chr3:122,001,371, G>A on the plus strand (C>T on the coding strand, the complement: ILDR1 is on the minus strand). VCF-style: chr3-122001371-G-A. GRCh37 (hg19) VCF-style: chr3-121720218-G-A.
Other names: c.583C>T, p.Gln195Ter (NM_175924.4); c.379+3873C>T (NM_001199800.2); short protein forms Q195*.
Identifiers: ClinVar variation 30798 (VCV000030798.8), dbSNP rs387907017, ClinGen allele CA129477.